The following is an entry in ClinVar:

NM_024747.6(HPS6):c.1922G>A (p.Gly641Glu)

Gene: HPS6 (HPS6 biogenesis of lysosomal organelles complex 2 subunit 3; plus strand). Cytogenetic location: 10q24.32.
Variant type: single nucleotide variant.
Coding change: c.1922G>A on transcript NM_024747.6 (MANE Select); coding-DNA position 1922, G replaced by A.
Protein change: p.Gly641Glu; replaces glycine 641 with glutamic acid.
Molecular consequence: missense variant.
Genome position (GRCh38, 1-based): chr10:102,067,396, G>A. VCF-style: chr10-102067396-G-A. GRCh37 (hg19) VCF-style: chr10-103827153-G-A.
Other names: short protein forms G641E.
Identifiers: ClinVar variation 2855672 (VCV002855672.3), dbSNP rs2540988718, ClinGen allele CA377873596.
Genomic context (GRCh38, chr10:102,067,396, plus strand): 5'-CTCTGGAGCTAGAGCTGCTCTTGAGCAGTGGGCGGCCTAAAGCTGTGCTCCAAGCTGTCG[G>A]GCAGCTGGTGCAAAAGGAACAATGGGATCGGGCTCTGGATGCTGGCCTGGCCCTCGGCCC-3'
Protein context (NP_079023.2, residues 631-651): GRPKAVLQAV[Gly641Glu]QLVQKEQWDR

ClinVar aggregate classification (germline): Uncertain significance (1 of 4 stars; one submission).

Submission:

Labcorp Genetics (formerly Invitae), Labcorp
Classification: Uncertain significance. Last evaluated: 2023-04-12. Review status: criteria provided, single submitter. Criteria: Invitae Variant Classification Sherloc (09022015). Collection method: clinical testing. Allele origin: germline.
Comment: This variant has not been reported in the literature in individuals affected with HPS6-related conditions. This sequence change replaces glycine, which is neutral and non-polar, with glutamic acid, which is acidic and polar, at codon 641 of the HPS6 protein (p.Gly641Glu). This variant is not present in population databases (gnomAD no frequency). Advanced modeling of protein sequence and biophysical properties (such as structural, functional, and spatial information, amino acid conservation, physicochemical variation, residue mobility, and thermodynamic stability) performed at Invitae indicates that this missense variant is not expected to disrupt HPS6 protein function. In summary, the available evidence is currently insufficient to determine the role of this variant in disease. Therefore, it has been classified as a Variant of Uncertain Significance.